The following is an entry in ClinVar:

NM_003790.3(TNFRSF25):c.816C>T (p.Cys272=)

Gene: TNFRSF25 (TNF receptor superfamily member 25; minus strand). Cytogenetic location: 1p36.31.
Variant type: single nucleotide variant.
Coding change: c.816C>T on transcript NM_003790.3 (MANE Select); coding-DNA position 816, C replaced by T.
Protein change: p.Cys272=; no amino-acid change (cysteine 272 retained).
Molecular consequence: synonymous variant.
Genome position (GRCh38, 1-based): chr1:6,462,103, G>A on the plus strand (C>T on the coding strand, the complement: TNFRSF25 is on the minus strand). VCF-style: chr1-6462103-G-A. GRCh37 (hg19) VCF-style: chr1-6522163-G-A.
Other names: c.843C>T, p.Cys281= (NM_148965.2); c.705C>T, p.Cys235= (NM_148966.2); c.681C>T, p.Cys227= (NM_148967.2); c.267C>T, p.Cys89= (NM_148970.2).
Identifiers: ClinVar variation 3051801 (VCV003051801.2), dbSNP rs1644193147, ClinGen allele CA415830895.
Genomic context (GRCh38, chr1:6,462,103, plus strand): 5'-GAGCGCCTCCTGGGTCTCGGGGTAGCCAGGGGTCCAGCTGTTACCCACCAACTGGACGGT[G>A]CAGATCTTCTCACTGCTGTCAGGAGGTGCTAGAAGGGTGTGGGCGCTGTCCAAGGGTGAC-3'
Protein context (NP_003781.1, residues 262-282): LAPPDSSEKI[Cys272=]TVQLVGNSWT

ClinVar aggregate classification (germline): Likely benign (0 of 4 stars; one submission).

Conditions:
TNFRSF25-related disorder. Also called: TNFRSF25-related condition.

Allele frequency attached by ClinVar (database versions not stated): gnomAD exomes below 0.00001.
gnomAD v4.1: 8 of 1,613,990 alleles (0.0005%); highest among the groups gnomAD compares: Middle Eastern, 0.017%; no homozygotes.

Submission:

PreventionGenetics, part of Exact Sciences
Classification: Likely benign for TNFRSF25-related condition. Last evaluated: 2020-01-08. Review status: no assertion criteria provided. Collection method: clinical testing. Allele origin: germline.
Comment: This variant is classified as likely benign based on ACMG/AMP sequence variant interpretation guidelines (Richards et al. 2015 PMID: 25741868, with internal and published modifications).